The following is an entry in ClinVar:

ClinVar aggregate classification (germline): Uncertain significance. Review status: criteria provided, multiple submitters, no conflicts (2 of 4 stars). 4 submissions from 4 submitters: Uncertain significance (4). Last evaluated 2024-09-09.

Conditions:
Developmental and epileptic encephalopathy, 53. Also called: Epileptic encephalopathy, early infantile, 53. Identifiers: MedGen C4479313, MONDO:0033362, OMIM 617389.
Early-onset Parkinson disease 20. Also called: PARKINSON DISEASE 20, AUTOSOMAL RECESSIVE EARLY-ONSET. Identifiers: Orphanet 391411, MedGen C3809824, MONDO:0014233, OMIM 615530.

Allele frequency attached by ClinVar (database versions not stated): ESP Exome Variant Server 0.00008; gnomAD 0.00013 and 0.00014; gnomAD exomes 0.00014 and 0.00017; TOPMed 0.00015; ExAC 0.00019.
gnomAD v4.1: 248 of 1,614,030 alleles (0.015%); highest among the groups gnomAD compares: Admixed American, 0.022%; no homozygotes.

Submissions (4):

Blueprint Genetics
Classification: Uncertain significance. Last evaluated: 2024-09-09. Review status: criteria provided, single submitter. Criteria: ACMG Guidelines, 2015. Collection method: clinical testing. Allele origin: germline.

Labcorp Genetics (formerly Invitae), Labcorp
Classification: Uncertain significance for Developmental and epileptic encephalopathy, 53; Early-onset Parkinson disease 20. Last evaluated: 2023-12-11. Review status: criteria provided, single submitter. Criteria: Invitae Variant Classification Sherloc (09022015). Collection method: clinical testing. Allele origin: germline.
Comment: This sequence change replaces arginine, which is basic and polar, with glutamine, which is neutral and polar, at codon 1252 of the SYNJ1 protein (p.Arg1252Gln). This variant is present in population databases (rs144048853, gnomAD 0.03%). This missense change has been observed in individual(s) with autosomal recessive early-onset parkinsonism (PMID: 23804577). ClinVar contains an entry for this variant (Variation ID: 478347). Advanced modeling of protein sequence and biophysical properties (such as structural, functional, and spatial information, amino acid conservation, physicochemical variation, residue mobility, and thermodynamic stability) performed at Invitae indicates that this missense variant is not expected to disrupt SYNJ1 protein function with a negative predictive value of 80%. In summary, the available evidence is currently insufficient to determine the role of this variant in disease. Therefore, it has been classified as a Variant of Uncertain Significance.

CeGaT Center for Human Genetics Tuebingen
Classification: Uncertain significance. Last evaluated: 2021-10-01. Review status: criteria provided, single submitter. Criteria: CeGaT Center For Human Genetics Tuebingen Variant Classification Criteria Version 2. Collection method: clinical testing. Allele origin: germline. Affected: yes. Observed: 1 variant allele.

Athena Diagnostics
Classification: Uncertain significance. Last evaluated: 2018-06-25. Review status: criteria provided, single submitter. Criteria: Athena Diagnostics Criteria. Collection method: clinical testing. Allele origin: germline.

Literature cited by the submitters: PubMed 23804577 (cited by Labcorp Genetics (formerly Invitae), Labcorp and Athena Diagnostics).

NM_203446.3(SYNJ1):c.3638G>A (p.Arg1213Gln)

Gene: SYNJ1 (synaptojanin 1; minus strand). Cytogenetic location: 21q22.11.
Variant type: single nucleotide variant.
Coding change: c.3638G>A on transcript NM_203446.3 (MANE Select); coding-DNA position 3638, G replaced by A.
Protein change: p.Arg1213Gln; replaces arginine 1213 with glutamine.
Molecular consequence: missense variant.
Genome position (GRCh38, 1-based): chr21:32,639,730, C>T on the plus strand (G>A on the coding strand, the complement: SYNJ1 is on the minus strand). VCF-style: chr21-32639730-C-T. GRCh37 (hg19) VCF-style: chr21-34012040-C-T.
Other names: c.3590G>A, p.Arg1197Gln (NM_001160302.2); c.3497G>A, p.Arg1166Gln (NM_001160306.2); c.3755G>A, p.Arg1252Gln (NM_003895.4); short protein forms R1252Q, R1197Q, R1166Q, R1213Q.
Identifiers: ClinVar variation 478347 (VCV000478347.44), dbSNP rs144048853, ClinGen allele CA10003301.